The following is an entry in ClinVar:

ClinVar aggregate classification (germline): Likely benign. Review status: criteria provided, multiple submitters, no conflicts (2 of 4 stars). 4 submissions from 4 submitters: Likely benign (4). Last evaluated 2025-12-12.

Conditions:
Cardiovascular phenotype. Identifiers: MedGen CN230736.
Autosomal recessive limb-girdle muscular dystrophy type 2J (LGMDR10). Also called: MUSCULAR DYSTROPHY, LIMB-GIRDLE, AUTOSOMAL RECESSIVE 10; Limb-girdle muscular dystrophy, type 2J. Identifiers: Orphanet 140922, MedGen C1837342, MONDO:0012127, OMIM 608807.
Dilated cardiomyopathy 1G (CMD1G). Identifiers: Orphanet 154, MedGen C1858763, MONDO:0011400, OMIM 604145.
Hypertrophic cardiomyopathy 9. Also called: Familial hypertrophic cardiomyopathy 9. Identifiers: MedGen C1861065, MONDO:0013412, OMIM 613765.
Tibial muscular dystrophy (TMD). Also called: Udd Distal Myopathy – Tibial Muscular Dystrophy; Tibial muscular dystrophy, tardive; UDD MYOPATHY. Identifiers: Orphanet 609, MedGen C1838244, MONDO:0010870, OMIM 600334.
Early-onset myopathy with fatal cardiomyopathy (CMYO5). Also called: Salih Myopathy; CONGENITAL MYOPATHY 5 WITH CARDIOMYOPATHY. Identifiers: Orphanet 289377, MedGen C2673677, MONDO:0012714, OMIM 611705. Disease mechanism: loss of function.
Myopathy, myofibrillar, 9, with early respiratory failure (MFM9). Also called: MYOPATHY, PROXIMAL, WITH EARLY RESPIRATORY MUSCLE INVOLVEMENT; Myopathy, distal, with early respiratory failure, autosomal dominant; Hereditary myopathy with early respiratory failure; EDSTROM MYOPATHY. Identifiers: Orphanet 178464, Orphanet 34521, MedGen C1863599, MONDO:0011362, OMIM 603689.

Allele frequency attached by ClinVar (database versions not stated): gnomAD 0.00001; gnomAD exomes 0.00003 and 0.00006; ExAC 0.00004; TOPMed 0.00005.
gnomAD v4.1: 19 of 1,613,672 alleles (0.0012%); highest among the groups gnomAD compares: Admixed American, 0.032%; no homozygotes.

Submissions (4):

Labcorp Genetics (formerly Invitae), Labcorp
Classification: Likely benign for Dilated cardiomyopathy 1G; Autosomal recessive limb-girdle muscular dystrophy type 2J. Last evaluated: 2025-12-12. Review status: criteria provided, single submitter. Criteria: Invitae Variant Classification Sherloc (09022015). Collection method: clinical testing. Allele origin: germline.

Fulgent Genetics
Classification: Likely benign for Tibial muscular dystrophy; Myopathy, myofibrillar, 9, with early respiratory failure; Dilated cardiomyopathy 1G; Autosomal recessive limb-girdle muscular dystrophy type 2J; Early-onset myopathy with fatal cardiomyopathy; Hypertrophic cardiomyopathy 9. Last evaluated: 2021-08-15. Review status: criteria provided, single submitter. Criteria: ACMG Guidelines, 2015. Collection method: clinical testing. Allele origin: unknown.

GeneDx
Classification: Likely benign. Last evaluated: 2017-08-25. Review status: criteria provided, single submitter. Criteria: GeneDx Variant Classification (06012015). Collection method: clinical testing. Allele origin: germline. Affected: yes.
Comment: This variant is considered likely benign or benign based on one or more of the following criteria: it is a conservative change, it occurs at a poorly conserved position in the protein, it is predicted to be benign by multiple in silico algorithms, and/or has population frequency not consistent with disease.

Ambry Genetics
Classification: Likely benign for Cardiovascular phenotype. Last evaluated: 2016-05-20. Review status: criteria provided, single submitter. Criteria: Ambry Variant Classification Scheme 2023. Collection method: clinical testing. Allele origin: germline.

NM_001267550.2(TTN):c.9486G>A (p.Gln3162=)

Gene: TTN (titin; minus strand). Cytogenetic location: 2q31.2.
Variant type: single nucleotide variant.
Coding change: c.9486G>A on transcript NM_001267550.2 (MANE Select); coding-DNA position 9486, G replaced by A.
Protein change: p.Gln3162=; no amino-acid change (glutamine 3162 retained).
Molecular consequence: synonymous variant.
Genome position (GRCh38, 1-based): chr2:178,766,598, C>T on the plus strand (G>A on the coding strand, the complement: TTN is on the minus strand). VCF-style: chr2-178766598-C-T. GRCh37 (hg19) VCF-style: chr2-179631325-C-T.
Other names: c.9486G>A, p.Gln3162= (NM_133378.4, NM_133379.5, NM_001256850.1); c.9348G>A, p.Gln3116= (NM_133432.3, NM_133437.4, NM_003319.4).
Identifiers: ClinVar variation 511788 (VCV000511788.15), dbSNP rs768927616, ClinGen allele CA2004305.
Genomic context (GRCh38, chr2:178,766,598, plus strand): 5'-ATCTTTATACCAGTGGGCATCAACATCGTCTTCATTGACCTCAAATTCAACAACAGCACG[C>T]TGTTTCTCAATGACCTGTTGATGGAACAACATAAAAAAACAACAACAACAACAAAAACTT-3'
Protein context (NP_001254479.2, residues 3152-3172): IKKEVQVIEK[Gln3162=]RAVVEFEVNE